The following is an entry in ClinVar:

NM_018480.7(TMEM126B):c.70G>A (p.Glu24Lys)

Genes: TMEM126B (transmembrane protein 126B; plus strand), LOC130006548 (ATAC-STARR-seq lymphoblastoid active region 5364; plus strand). Cytogenetic location: 11q14.1.
Variant type: single nucleotide variant.
Coding change: c.70G>A on transcript NM_018480.7 (MANE Select); coding-DNA position 70, G replaced by A.
Protein change: p.Glu24Lys; replaces glutamic acid 24 with lysine.
Molecular consequence: missense variant. On other transcripts: 5 prime UTR variant (5), synonymous variant (1), non-coding transcript variant (2).
Genome position (GRCh38, 1-based): chr11:85,628,677, G>A. VCF-style: chr11-85628677-G-A. GRCh37 (hg19) VCF-style: chr11-85339721-G-A.
Other names: c.-122G>A (NM_001193537.3, NM_001350395.2); c.-193G>A (NM_001193538.3, NM_001350396.2); c.-93G>A (NM_001256546.2); c.54G>A, p.Arg18= (NM_001256547.2); c.70G>A, p.Glu24Lys (NM_001350393.1, NM_001350394.2); short protein forms E24K.
Identifiers: ClinVar variation 1716232 (VCV001716232.3), dbSNP rs2547835642, ClinGen allele CA381988215.
Genomic context (GRCh38, chr11:85,628,677, plus strand): 5'-TTCGGGTATGAGGCTGGGACTAAGCCAAGGGATTCAGGTGTGGTGCCGGTGGGAACTGAG[G>A]AAGCGCCCAAGGTAGGCGGAAATCCGAAGTGGTATGGGGGGTGATTTCTGCACCTTCAAA-3'
Protein context (NP_060950.3, residues 14-34): DSGVVPVGTE[Glu24Lys]APKVFKMAAS

ClinVar aggregate classification (germline): Uncertain significance (1 of 4 stars; one submission).

Allele frequency attached by ClinVar (database versions not stated): gnomAD exomes below 0.00001.

Submission:

Labcorp Genetics (formerly Invitae), Labcorp
Classification: Uncertain significance. Last evaluated: 2022-08-12. Review status: criteria provided, single submitter. Criteria: Invitae Variant Classification Sherloc (09022015). Collection method: clinical testing. Allele origin: germline.
Comment: This sequence change replaces glutamic acid, which is acidic and polar, with lysine, which is basic and polar, at codon 24 of the TMEM126B protein (p.Glu24Lys). This variant is not present in population databases (gnomAD no frequency). This variant has not been reported in the literature in individuals affected with TMEM126B-related conditions. Algorithms developed to predict the effect of missense changes on protein structure and function are either unavailable or do not agree on the potential impact of this missense change (SIFT: "Deleterious"; PolyPhen-2: "Benign"; Align-GVGD: "Class C0"). In summary, the available evidence is currently insufficient to determine the role of this variant in disease. Therefore, it has been classified as a Variant of Uncertain Significance.